The following is an entry in ClinVar:

NM_001367624.2(ZNF469):c.11183C>T (p.Pro3728Leu)

Gene: ZNF469 (zinc finger protein 469; plus strand). Cytogenetic location: 16q24.2.
Variant type: single nucleotide variant.
Coding change: c.11183C>T on transcript NM_001367624.2 (MANE Select); coding-DNA position 11183, C replaced by T.
Protein change: p.Pro3728Leu; replaces proline 3728 with leucine.
Molecular consequence: missense variant.
Genome position (GRCh38, 1-based): chr16:88,438,653, C>T. VCF-style: chr16-88438653-C-T. GRCh37 (hg19) VCF-style: chr16-88505061-C-T.
Other names: NM_001127464.1:c.11099C>T; short protein forms P3728L.
Identifiers: ClinVar variation 1916483 (VCV001916483.4), dbSNP rs1484388055, ClinGen allele CA397129306.

ClinVar aggregate classification (germline): Uncertain significance. Review status: criteria provided, multiple submitters, no conflicts (2 of 4 stars). 2 submissions from 2 submitters: Uncertain significance (2). Last evaluated 2024-03-24.

Conditions:
Cardiovascular phenotype. Identifiers: MedGen CN230736.

gnomAD v4.1: 1 of 1,550,076 alleles (0.000065%); no homozygotes.

Submissions (2):

Ambry Genetics
Classification: Uncertain significance for Cardiovascular phenotype. Last evaluated: 2024-03-24. Review status: criteria provided, single submitter. Criteria: Ambry Variant Classification Scheme 2023. Collection method: clinical testing. Allele origin: germline.
Comment: The p.P3700L variant (also known as c.11099C>T), located in coding exon 2 of the ZNF469 gene, results from a C to T substitution at nucleotide position 11099. The proline at codon 3700 is replaced by leucine, an amino acid with similar properties. This amino acid position is conserved. In addition, this alteration is predicted to be tolerated by in silico analysis. Based on the available evidence, the clinical significance of this alteration remains unclear.

Labcorp Genetics (formerly Invitae), Labcorp
Classification: Uncertain significance. Last evaluated: 2022-04-09. Review status: criteria provided, single submitter. Criteria: Invitae Variant Classification Sherloc (09022015). Collection method: clinical testing. Allele origin: germline.
Comment: In summary, the available evidence is currently insufficient to determine the role of this variant in disease. Therefore, it has been classified as a Variant of Uncertain Significance. Algorithms developed to predict the effect of missense changes on protein structure and function output the following: SIFT: "Deleterious"; PolyPhen-2: "Benign"; Align-GVGD: "Class C0". The leucine amino acid residue is found in multiple mammalian species, which suggests that this missense change does not adversely affect protein function. This variant has not been reported in the literature in individuals affected with ZNF469-related conditions. The frequency data for this variant in the population databases is considered unreliable, as metrics indicate poor data quality at this position in the gnomAD database. This sequence change replaces proline, which is neutral and non-polar, with leucine, which is neutral and non-polar, at codon 3700 of the ZNF469 protein (p.Pro3700Leu).